The following is an entry in ClinVar:

NM_001605.3(AARS1):c.601G>T (p.Ala201Ser)

Gene: AARS1 (alanyl-tRNA synthetase 1; minus strand). Cytogenetic location: 16q22.1.
Variant type: single nucleotide variant.
Coding change: c.601G>T on transcript NM_001605.3 (MANE Select); coding-DNA position 601, G replaced by T.
Protein change: p.Ala201Ser; replaces alanine 201 with serine.
Molecular consequence: missense variant.
Genome position (GRCh38, 1-based): chr16:70,271,851, C>A on the plus strand (G>T on the coding strand, the complement: AARS1 is on the minus strand). VCF-style: chr16-70271851-C-A. GRCh37 (hg19) VCF-style: chr16-70305754-C-A.
Other names: short protein forms A201S.
Identifiers: ClinVar variation 1682300 (VCV001682300.8), dbSNP rs760716722, ClinGen allele CA396566655.

ClinVar aggregate classification (germline): Uncertain significance (1 of 4 stars; one submission).

Conditions:
Charcot-Marie-Tooth disease type 2. Also called: Charcot-Marie-Tooth type 2. Identifiers: Orphanet 64746, MedGen C0270914, MONDO:0018993.

gnomAD v4.1: 1 of 1,613,974 alleles (0.000062%); highest among the groups gnomAD compares: South Asian, 0.0011%; no homozygotes.

Submission:

Labcorp Genetics (formerly Invitae), Labcorp
Classification: Uncertain significance for Charcot-Marie-Tooth disease type 2. Last evaluated: 2021-07-04. Review status: criteria provided, single submitter. Criteria: Invitae Variant Classification Sherloc (09022015). Collection method: clinical testing. Allele origin: germline.
Comment: In summary, the available evidence is currently insufficient to determine the role of this variant in disease. Therefore, it has been classified as a Variant of Uncertain Significance. Algorithms developed to predict the effect of missense changes on protein structure and function (SIFT, PolyPhen-2, Align-GVGD) all suggest that this variant is likely to be tolerated. This sequence change replaces alanine with serine at codon 201 of the AARS protein (p.Ala201Ser). The alanine residue is moderately conserved and there is a moderate physicochemical difference between alanine and serine. This variant is not present in population databases (ExAC no frequency). This variant has not been reported in the literature in individuals affected with AARS-related conditions.